The following is an entry in ClinVar:

NM_000038.6(APC):c.1744-2583A>G

Gene: APC (APC regulator of WNT signaling pathway; plus strand). Cytogenetic location: 5q22.2.
Variant type: single nucleotide variant.
Coding change: c.1744-2583A>G on transcript NM_000038.6 (MANE Select); 2583 bases into the intron before coding-DNA position 1744, A replaced by G.
Molecular consequence: intron variant.
Genome position (GRCh38, 1-based): chr5:112,832,368, A>G. VCF-style: chr5-112832368-A-G. GRCh37 (hg19) VCF-style: chr5-112168065-A-G.
Other names: c.1744-2583A>G (NM_001354895.2, NM_001127510.3); c.1774-2583A>G (NM_001354897.2); c.1471-2583A>G (NM_001354902.2); c.1690-2583A>G (NM_001127511.3); c.1669-2583A>G (NM_001354898.2); c.1366-2583A>G (NM_001354904.2); c.895-2583A>G (NM_001354906.2); c.1798-2583A>G (NM_001354896.2); and 5 more.
Identifiers: ClinVar variation 83186 (VCV000083186.2), dbSNP rs2909786, ClinGen allele CA005854.

ClinVar aggregate classification (germline): other (0 of 4 stars; one submission).

Conditions:
Familial colorectal cancer. Identifiers: MedGen CN280943, MONDO:0023113. Disease mechanism: loss of function.

Allele frequency attached by ClinVar (database versions not stated): gnomAD 0.53791 and 0.54667; TOPMed 0.55962; 1000 Genomes Project 30x 0.61774; 1000 Genomes Project 0.62021.

Submission:

Systems Biology Platform Zhejiang California International NanoSystems Institute
Classification: other for Familial colorectal cancer. Review status: no assertion criteria provided. Collection method: not provided. Allele origin: unknown.
ClinVar note: Converted during submission from cancer to other.